The following is an entry in ClinVar:

NM_000399.5(EGR2):c.46G>A (p.Gly16Ser)

Gene: EGR2 (early growth response 2; minus strand). Cytogenetic location: 10q21.3.
Variant type: single nucleotide variant.
Coding change: c.46G>A on transcript NM_000399.5 (MANE Select); coding-DNA position 46, G replaced by A.
Protein change: p.Gly16Ser; replaces glycine 16 with serine.
Molecular consequence: missense variant. On other transcripts: intron variant (2).
Genome position (GRCh38, 1-based): chr10:62,815,984, C>T on the plus strand (G>A on the coding strand, the complement: EGR2 is on the minus strand). VCF-style: chr10-62815984-C-T. GRCh37 (hg19) VCF-style: chr10-64575744-C-T.
Other names: c.46G>A, p.Gly16Ser (NM_001136177.3, NM_001136178.2); c.-90-15G>A (NM_001321037.2, NM_001136179.3); short protein forms G16S.
Identifiers: ClinVar variation 1389551 (VCV001389551.6), dbSNP rs2132712905, ClinGen allele CA377034488.

ClinVar aggregate classification (germline): Uncertain significance (1 of 4 stars; one submission).

Conditions:
Charcot-Marie-Tooth disease, type I (CMT1). Also called: Charcot-Marie-Tooth disease type 1; Charcot-Marie-Tooth, Type 1. Identifiers: Orphanet 65753, MedGen C0751036, MONDO:0019011.

Allele frequency attached by ClinVar (database versions not stated): gnomAD exomes 0.00001.

Submission:

Labcorp Genetics (formerly Invitae), Labcorp
Classification: Uncertain significance for Charcot-Marie-Tooth disease, type I. Last evaluated: 2021-10-27. Review status: criteria provided, single submitter. Criteria: Invitae Variant Classification Sherloc (09022015). Collection method: clinical testing. Allele origin: germline.
Comment: In summary, the available evidence is currently insufficient to determine the role of this variant in disease. Therefore, it has been classified as a Variant of Uncertain Significance. Algorithms developed to predict the effect of missense changes on protein structure and function are either unavailable or do not agree on the potential impact of this missense change (SIFT: "Not Available"; PolyPhen-2: "Probably Damaging"; Align-GVGD: "Not Available"). This variant has not been reported in the literature in individuals affected with EGR2-related conditions. This variant is not present in population databases (gnomAD no frequency). This sequence change replaces glycine, a(n) neutral and non-polar amino acid, with serine, a(n) neutral and polar amino acid, at codon 16 of the EGR2 protein (p.Gly16Ser).